The following is an entry in ClinVar:

NM_006306.4(SMC1A):c.3186del (p.Lys1063fs)

Gene: SMC1A (structural maintenance of chromosomes 1A; minus strand). Cytogenetic location: Xp11.22.
Variant type: Deletion.
Coding change: c.3186del on transcript NM_006306.4 (MANE Select); coding-DNA position 3186, one base deleted (C; older notation c.3186delC).
Protein change: p.Lys1063fs; shifts the reading frame from lysine 1063.
Molecular consequence: frameshift variant.
Genome position (GRCh38, 1-based): chrX:53,382,605, G deleted on the plus strand (C on the coding strand, the reverse complement: SMC1A is on the minus strand). VCF-style (leftmost placement, unchanged base first): chrX-53382604-TG-T. GRCh37 (hg19) VCF-style: chrX-53409525-TG-T.
Other names: c.3120del, p.Lys1041fs (NM_001281463.1); short protein forms K1041fs, K1063fs.
Identifiers: ClinVar variation 3064228 (VCV003064228.2).
Genomic context (GRCh38, chrX:53,382,604, plus strand): 5'-CATCAATGTTGGTAGCCACAGATTCAAAACAAGCATTGAAGCGGTCAAAGCGCTCCTTCT[TG>T]ATCTGTTCGAATGCCTGCTTGGCCTTCTTTGCTCGCTTTCGGGCTGCTTCAAACTCTGCC-3'

ClinVar aggregate classification (germline): Pathogenic (1 of 4 stars; one submission).

Conditions:
Atypical Rett syndrome. Also called: Variant Rett Syndrome; Rett like syndrome. Identifiers: Orphanet 3095, MedGen C2748910, MONDO:0017746.

Submission:

Department of Medical Genetics, National Institute of Health
Classification: Pathogenic for Atypical Rett syndrome. Last evaluated: 2024-03-27. Review status: criteria provided, single submitter. Criteria: ACMG Guidelines, 2015. Collection method: clinical testing. Allele origin: de novo. Affected: yes. Observed: 1 hemizygote.
Comment: Segregation analysis by Sanger sequencing revealed it was de novo. It's a protein truncating variant classified as Pathogenic according to ACMG guidelines.